The following is an entry in ClinVar:

ClinVar aggregate classification (germline): Uncertain significance. Review status: criteria provided, multiple submitters, no conflicts (2 of 4 stars). 2 submissions from 2 submitters: Uncertain significance (2). Last evaluated 2025-12-26.

Conditions:
RPGRIP1L-related disorder. Also called: RPGRIP1L-related condition; RPGRIP1L-related disorders. Identifiers: MedGen CN239416.
Joubert syndrome. Also called: JOUBERT-BOLTSHAUSER SYNDROME; Familial aplasia of the vermis. Identifiers: Orphanet 475, MedGen C5979921, MONDO:0018772.
Meckel-Gruber syndrome. Also called: DYSENCEPHALIA SPLANCHNOCYSTICA; GRUBER SYNDROME; Dysencephalia splachnocystica. Identifiers: Orphanet 564, MedGen C0265215, MONDO:0018921.

gnomAD v4.1: 4 of 1,614,156 alleles (0.00025%); highest among the groups gnomAD compares: Non-Finnish European, 0.00034%; no homozygotes.

Submissions (2):

PreventionGenetics, part of Exact Sciences
Classification: Uncertain significance for RPGRIP1L-related condition. Last evaluated: 2025-12-26. Review status: criteria provided, single submitter. Criteria: ACMG Guidelines, 2015. Collection method: clinical testing. Allele origin: germline.
Comment: The RPGRIP1L c.2096A>C variant is predicted to result in the amino acid substitution p.Lys699Thr. To our knowledge, this variant has not been reported in the literature or in a large population database (gnomAD), indicating this variant is rare. At this time, the clinical significance of this variant is uncertain due to the absence of conclusive functional and genetic evidence.

Labcorp Genetics (formerly Invitae), Labcorp
Classification: Uncertain significance for Joubert syndrome; Meckel-Gruber syndrome. Last evaluated: 2022-05-13. Review status: criteria provided, single submitter. Criteria: Invitae Variant Classification Sherloc (09022015). Collection method: clinical testing. Allele origin: germline.
Comment: In summary, the available evidence is currently insufficient to determine the role of this variant in disease. Therefore, it has been classified as a Variant of Uncertain Significance. Algorithms developed to predict the effect of missense changes on protein structure and function (SIFT, PolyPhen-2, Align-GVGD) all suggest that this variant is likely to be tolerated. This variant has not been reported in the literature in individuals affected with RPGRIP1L-related conditions. This variant is not present in population databases (gnomAD no frequency). This sequence change replaces lysine, which is basic and polar, with threonine, which is neutral and polar, at codon 699 of the RPGRIP1L protein (p.Lys699Thr).

NM_015272.5(RPGRIP1L):c.2096A>C (p.Lys699Thr)

Gene: RPGRIP1L (RPGRIP1 like; minus strand). Cytogenetic location: 16q12.2.
Variant type: single nucleotide variant.
Coding change: c.2096A>C on transcript NM_015272.5 (MANE Select); coding-DNA position 2096, A replaced by C.
Protein change: p.Lys699Thr; replaces lysine 699 with threonine.
Molecular consequence: missense variant.
Genome position (GRCh38, 1-based): chr16:53,652,591, T>G on the plus strand (A>C on the coding strand, the complement: RPGRIP1L is on the minus strand). VCF-style: chr16-53652591-T-G. GRCh37 (hg19) VCF-style: chr16-53686503-T-G.
Other names: c.2096A>C, p.Lys699Thr (NM_001127897.4, NM_001308334.3, NM_001330538.2); c.2096A>C (NM_015272.4); short protein forms K699T.
Identifiers: ClinVar variation 2120658 (VCV002120658.5), dbSNP rs764289143, ClinGen allele CA281343891.